The following is an entry in ClinVar:

NM_002437.5(MPV17):c.375+1G>T

Gene: MPV17 (mitochondrial inner membrane protein MPV17; minus strand). Cytogenetic location: 2p23.3.
Variant type: single nucleotide variant.
Coding change: c.375+1G>T on transcript NM_002437.5 (MANE Select); the canonical splice donor site of the intron after coding-DNA position 375, G replaced by T.
Molecular consequence: splice donor variant.
Genome position (GRCh38, 1-based): chr2:27,312,493, C>A on the plus strand (G>T on the coding strand, the complement: MPV17 is on the minus strand). VCF-style: chr2-27312493-C-A. GRCh37 (hg19) VCF-style: chr2-27535360-C-A.
Other names: c.375+1G>T (NM_002437.4).
Identifiers: ClinVar variation 1994936 (VCV001994936.6), dbSNP rs2465681506, ClinGen allele CA346207735.
Genomic context (GRCh38, chr2:27,312,493, plus strand): 5'-CTTCTTCCCCTGGGCTGTCAGCCCGCCAGCCAGAGACATTCTCCACACCTGCCCAGCTCA[C>A]CCGCTGTAGTTTGGCCCAGTTGTCCTGGGCTGACAGTCCATTAAGTGCCCCTACCAGTGG-3'

ClinVar aggregate classification (germline): Likely pathogenic. Review status: criteria provided, multiple submitters, no conflicts (2 of 4 stars). 3 submissions from 3 submitters: Likely pathogenic (3). Last evaluated 2024-02-27.

Conditions:
Mitochondrial DNA depletion syndrome 6 (hepatocerebral type). Also called: NAVAJO NEUROPATHY; Navajo neurohepatopathy; Mitochondrial DNA depletion syndrome type 6. Identifiers: Orphanet 255229, MedGen C1850406, MONDO:0009747, OMIM 256810.
Charcot-Marie-Tooth disease, axonal, type 2EE. Also called: CHARCOT-MARIE-TOOTH NEUROPATHY, TYPE 2EE. Identifiers: MedGen C5193076, MONDO:0032728, OMIM 618400.

Submissions (3):

Service de Génétique Médicale, Centre Hospitalier Universitaire de Nice-Université Côte d'Azur
Classification: Likely pathogenic for Mitochondrial DNA depletion syndrome 6 (hepatocerebral type). Last evaluated: 2024-02-27. Review status: criteria provided, single submitter. Criteria: ACMG Guidelines, 2015. Collection method: clinical testing. Allele origin: germline. Affected: yes.

Baylor Genetics
Classification: Likely pathogenic for Charcot-Marie-Tooth disease, axonal, type 2EE. Last evaluated: 2023-05-27. Review status: criteria provided, single submitter. Criteria: ACMG Guidelines, 2015. Collection method: clinical testing. Allele origin: unknown.

Labcorp Genetics (formerly Invitae), Labcorp
Classification: Likely pathogenic. Last evaluated: 2022-05-15. Review status: criteria provided, single submitter. Criteria: Invitae Variant Classification Sherloc (09022015). Collection method: clinical testing. Allele origin: germline.
Comment: In summary, the currently available evidence indicates that the variant is pathogenic, but additional data are needed to prove that conclusively. Therefore, this variant has been classified as Likely Pathogenic. Algorithms developed to predict the effect of sequence changes on RNA splicing suggest that this variant may disrupt the consensus splice site. This variant has not been reported in the literature in individuals affected with MPV17-related conditions. This variant is not present in population databases (gnomAD no frequency). This sequence change affects a donor splice site in intron 5 of the MPV17 gene. It is expected to disrupt RNA splicing. Variants that disrupt the donor or acceptor splice site typically lead to a loss of protein function (PMID: 16199547), and loss-of-function variants in MPV17 are known to be pathogenic (PMID: 23714749).

Literature cited by the submitters: PubMed 38703036 (cited by Service de Génétique Médicale, Centre Hospitalier Universitaire de Nice-Université Côte d'Azur); PubMed 16199547 (cited by Labcorp Genetics (formerly Invitae), Labcorp); PubMed 23714749 (cited by Labcorp Genetics (formerly Invitae), Labcorp).